The following is an entry in ClinVar:

NM_000036.3(AMPD1):c.997A>G (p.Ser333Gly)

Gene: AMPD1 (adenosine monophosphate deaminase 1; minus strand). Cytogenetic location: 1p13.2.
Variant type: single nucleotide variant.
Coding change: c.997A>G on transcript NM_000036.3 (MANE Select); coding-DNA position 997, A replaced by G.
Protein change: p.Ser333Gly; replaces serine 333 with glycine.
Molecular consequence: missense variant.
Genome position (GRCh38, 1-based): chr1:114,678,428, T>C on the plus strand (A>G on the coding strand, the complement: AMPD1 is on the minus strand). VCF-style: chr1-114678428-T-C. GRCh37 (hg19) VCF-style: chr1-115221049-T-C.
Other names: c.985A>G, p.Ser329Gly (NM_001172626.2); short protein forms S329G, S333G.
Identifiers: ClinVar variation 1995858 (VCV001995858.4), dbSNP rs766318137, ClinGen allele CA341749577.

ClinVar aggregate classification (germline): Uncertain significance (1 of 4 stars; one submission).

Conditions:
Muscle AMP deaminase deficiency (MMDD). Also called: AMPD1 DEFICIENCY; Myoadenylate deaminase deficiency, myopathy due to; Adenosine monophosphate deaminase 1 deficiency; AMP deaminase 1 deficiency; Adenosine Monophosphate Deaminase 1; ADENOSINE MONOPHOSPHATE DEAMINASE-1 DEFICIENCY, MYOPATHY DUE TO. Identifiers: Orphanet 45, MedGen C3714933, MONDO:0014220, OMIM 615511.

Submission:

Labcorp Genetics (formerly Invitae), Labcorp
Classification: Uncertain significance for Muscle AMP deaminase deficiency. Last evaluated: 2022-05-17. Review status: criteria provided, single submitter. Criteria: Invitae Variant Classification Sherloc (09022015). Collection method: clinical testing. Allele origin: germline.
Comment: This sequence change replaces serine, which is neutral and polar, with glycine, which is neutral and non-polar, at codon 366 of the AMPD1 protein (p.Ser366Gly). In summary, the available evidence is currently insufficient to determine the role of this variant in disease. Therefore, it has been classified as a Variant of Uncertain Significance. Algorithms developed to predict the effect of missense changes on protein structure and function output the following: SIFT: "Tolerated"; PolyPhen-2: "Benign"; Align-GVGD: "Class C0". The glycine amino acid residue is found in multiple mammalian species, which suggests that this missense change does not adversely affect protein function. This variant has not been reported in the literature in individuals affected with AMPD1-related conditions. This variant is not present in population databases (gnomAD no frequency).